The following is an entry in ClinVar:

ClinVar aggregate classification (germline): Likely benign (1 of 4 stars; one submission).

Conditions:
Breast-ovarian cancer, familial, susceptibility to, 1 (BROVCA1). Also called: OVARIAN CANCER, SUSCEPTIBILITY TO; BRCA1 Hereditary Breast and Ovarian Cancer. Identifiers: Orphanet 145, MedGen C2676676, MONDO:0011450, OMIM 604370. Disease mechanism: loss of function.

gnomAD v4.1: 1 of 1,613,914 alleles (0.000062%); highest among the groups gnomAD compares: Non-Finnish European, 0.000085%; no homozygotes.

Submission:

Cancer Bioinformatics and Tumour Evolution Laboratory, Monash University
Classification: Likely benign for Breast-ovarian cancer, familial, susceptibility to, 1. Last evaluated: 2026-05-01. Review status: criteria provided, single submitter. Criteria: ClinGen BRCA1 and BRCA2 Guidelines, 2024. Collection method: curation. Allele origin: germline. Inheritance: Autosomal dominant inheritance.
Comment: Missense variant outside of a functional domain with no splice impact. BRCA1 and BRCA2 VCEP guidelines recommend application of BP1_Strong (PMID: 39142283)

NM_007294.4(BRCA1):c.2991T>G (p.Asn997Lys)

Gene: BRCA1 (BRCA1 DNA repair associated; minus strand). Cytogenetic location: 17q21.31.
Variant type: single nucleotide variant.
Coding change: c.2991T>G on transcript NM_007294.4 (MANE Select); coding-DNA position 2991, T replaced by G.
Protein change: p.Asn997Lys; replaces asparagine 997 with lysine.
Molecular consequence: missense variant. On other transcripts: intron variant (137).
Genome position (GRCh38, 1-based): chr17:43,092,540, A>C on the plus strand (T>G on the coding strand, the complement: BRCA1 is on the minus strand). VCF-style: chr17-43092540-A-C. GRCh37 (hg19) VCF-style: chr17-41244557-A-C.
Other names: c.2850T>G, p.Asn950Lys (NM_001407751.1, NM_001407752.1, NM_001407750.1 and 29 more transcripts); c.2847T>G, p.Asn949Lys (NM_001407838.1, NM_001407839.1, NM_001407841.1 and 20 more transcripts); c.2991T>G, p.Asn997Lys (NM_001407859.1, NM_001407639.1, NM_001407640.1 and 30 more transcripts); c.2988T>G, p.Asn996Lys (NM_001407860.1, NM_001407861.1, NM_001407636.1 and 22 more transcripts); c.2790T>G, p.Asn930Lys (NM_001407862.1); c.2868T>G, p.Asn956Lys (NM_001407863.1, NM_001407664.1, NM_001407665.1 and 19 more transcripts); c.2787T>G, p.Asn929Lys (NM_001407874.1, NM_001407875.1); c.2781T>G, p.Asn927Lys (NM_001407879.1, NM_001407881.1, NM_001407882.1 and 13 more transcripts); and 41 more; short protein forms N701K, N829K, N869K, N870K, N885K, N886K, N908K, N909K.
Identifiers: ClinVar variation 4856547 (VCV004856547.1).